The following is an entry in ClinVar:

NM_003482.4(KMT2D):c.5319+3G>A

Gene: KMT2D (lysine methyltransferase 2D; minus strand). Cytogenetic location: 12q13.12.
Variant type: single nucleotide variant.
Coding change: c.5319+3G>A on transcript NM_003482.4 (MANE Select); 3 bases into the intron after coding-DNA position 5319, G replaced by A.
Molecular consequence: intron variant.
Genome position (GRCh38, 1-based): chr12:49,043,865, C>T on the plus strand (G>A on the coding strand, the complement: KMT2D is on the minus strand). VCF-style: chr12-49043865-C-T. GRCh37 (hg19) VCF-style: chr12-49437648-C-T.
Identifiers: ClinVar variation 94227 (VCV000094227.17), dbSNP rs372897046, ClinGen allele CA222088.
Genomic context (GRCh38, chr12:49,043,865, plus strand): 5'-CAGTTTTCTTCATGCCCTGCAGGGCACAGACACCTCCCTCACTGCTTGGAGCCTGAGACC[C>T]ACCTGCAAGTAAGCAGGGAACATGTCCTCCAGTTTGCTCTTCTTGCGCCCTCGCCGCTGT-3'

ClinVar aggregate classification (germline): Conflicting classifications of pathogenicity. Review status: criteria provided, conflicting classifications (1 of 4 stars). 6 submissions from 6 submitters: Uncertain significance (1); Likely benign (4). 1 of the submissions does not count toward it. Last evaluated 2026-01-28.

Conditions:
KMT2D-related disorder. Also called: KMT2D-Related Disorders.
Inborn genetic diseases. Identifiers: MedGen C0950123, MeSH D030342.
Kabuki syndrome. Also called: NIIKAWA-KUROKI SYNDROME; Kabuki make-up syndrome. Identifiers: Orphanet 2322, MedGen C0796004, MONDO:0016512.

Allele frequency attached by ClinVar (database versions not stated): gnomAD 0.00015 and 0.00014; TOPMed 0.00027; 1000 Genomes Project 30x 0.00047; 1000 Genomes Project 0.00060; gnomAD exomes 0.00001 and 0.00003; ExAC 0.00007; ESP Exome Variant Server 0.00008.
gnomAD v4.1: 41 of 1,614,076 alleles (0.0025%); highest among the groups gnomAD compares: African/African-American, 0.036%; no homozygotes.

Submissions (6):

Labcorp Genetics (formerly Invitae), Labcorp
Classification: Likely benign for Kabuki syndrome. Last evaluated: 2026-01-28. Review status: criteria provided, single submitter. Criteria: Invitae Variant Classification Sherloc (09022015). Collection method: clinical testing. Allele origin: germline.

Blueprint Genetics
Classification: Likely benign. Last evaluated: 2022-12-30. Review status: criteria provided, single submitter. Criteria: ACMG Guidelines, 2015. Collection method: clinical testing. Allele origin: germline.

Ambry Genetics
Classification: Likely benign for Inborn genetic diseases. Last evaluated: 2021-10-29. Review status: criteria provided, single submitter. Criteria: Ambry Variant Classification Scheme 2023. Collection method: clinical testing. Allele origin: germline.

GeneDx
Classification: Likely benign. Last evaluated: 2021-05-07. Review status: criteria provided, single submitter. Criteria: GeneDx Variant Classification Process June 2021. Collection method: clinical testing. Allele origin: germline. Affected: yes.

Eurofins Ntd Llc (ga)
Classification: Uncertain significance. Last evaluated: 2016-08-30. Review status: criteria provided, single submitter. Criteria: EGL Classification Definitions 2015. Collection method: clinical testing. Allele origin: germline. Observed: 4 variant alleles, 4 heterozygotes.

PreventionGenetics, part of Exact Sciences
Classification: Likely benign for KMT2D-related condition. Last evaluated: 2022-05-02. Review status: no assertion criteria provided. Collection method: clinical testing. Allele origin: germline. Not counted in ClinVar's aggregate classification.
Comment: This variant is classified as likely benign based on ACMG/AMP sequence variant interpretation guidelines (Richards et al. 2015 PMID: 25741868, with internal and published modifications).